The following is an entry in ClinVar:

NC_000008.11:g.(?_89978210)_(89984561_?)dup

Gene: NBN (nibrin; minus strand). Cytogenetic location: 8q21.3.
Variant type: Duplication.
Identifiers: ClinVar variation 830949 (VCV000830949.6).

ClinVar aggregate classification (germline): Uncertain significance (1 of 4 stars; one submission).

Conditions:
Microcephaly, normal intelligence and immunodeficiency (NBS). Also called: Nijmegen breakage syndrome; Microcephaly with normal intelligence immunodeficiency and lymphoreticular malignancies; Nonsyndromal microcephaly autosomal recessive with normal intelligence; Seemanova syndrome 2; Ataxia telangiectasia variant V1; BERLIN BREAKAGE SYNDROME. Identifiers: Orphanet 647, MedGen C0398791, MONDO:0009623, OMIM 251260.

Submission:

Labcorp Genetics (formerly Invitae), Labcorp
Classification: Uncertain significance for Microcephaly, normal intelligence and immunodeficiency. Last evaluated: 2019-09-12. Review status: criteria provided, single submitter. Criteria: Invitae Variant Classification Sherloc (09022015). Collection method: clinical testing. Allele origin: germline.
Comment: In summary, the available evidence is currently insufficient to determine the role of this variant in disease. Therefore, it has been classified as a Variant of Uncertain Significance. Experimental studies and prediction algorithms are not available or were not evaluated for this variant, and the functional significance of this variant is currently unknown. This variant has not been reported in the literature in individuals with NBN-related conditions. This variant results in a copy number gain of the genomic region encompassing exons 1-5 of the NBN gene, which includes the initiator codon. The 5' end of this event is unknown as it extends beyond the assayed region for this gene and therefore may encompass additional genes. The 3' boundary is likely confined to intron 5 of the NBN gene. As the precise location of this event is unknown, it may be in tandem or it may be located elsewhere in the genome.